The following is an entry in ClinVar:

NM_005619.4(RTN2):c.818_828del

Genes: OPA3-RTN2 (OPA3-RTN2 readthrough; minus strand), RTN2 (reticulon 2; minus strand). Cytogenetic location: 19q13.32.
Variant type: Deletion.
Coding change: c.818_828del on transcript NM_005619.4; coding-DNA positions 818 to 828, 11 bases deleted (CAGCTATGGAA).
Molecular consequence: intron variant (on NM_206900.3).
Genome position (GRCh38, 1-based): chr19:45,493,365-45,493,375, TTCCATAGCTG deleted on the plus strand (CAGCTATGGAA on the coding strand, the reverse complement: RTN2 is on the minus strand); deleting any 11 consecutive bases within chr19:45,493,365-45,493,379 gives the same sequence; the c. name uses the placement nearest the transcript's 3' end. VCF-style (leftmost placement, unchanged base first): chr19-45493364-ATTCCATAGCTG-A. GRCh37 (hg19) VCF-style: chr19-45996622-ATTCCATAGCTG-A.
Other names: c.818_828del11 (NM_005619.4); c.814+791_814+801del (NM_206900.3).
Identifiers: ClinVar variation 633397 (VCV000633397.4), dbSNP rs1568624823, ClinGen allele CA913190458.
Genomic context (GRCh38, chr19:45,493,364, plus strand): 5'-GGGACAATTCCAAAATTGGAACCGTCTTGTAAACAGCCAAAAGCAATGATGTCTTTAACC[ATTCCATAGCTG>A]TTCCTGGAGGCGGAGCATATTTTAAAGTAAGGCTGGGTCATTTTACAACTGGCCAATAGA-3'

ClinVar aggregate classification (germline): Conflicting classifications of pathogenicity. Review status: criteria provided, conflicting classifications (1 of 4 stars). 2 submissions from 2 submitters: Likely pathogenic (1); Uncertain significance (1). Last evaluated 2024-09-05.

Conditions:
Hereditary spastic paraplegia 12 (SPG12). Also called: SPASTIC PARAPLEGIA 12, AUTOSOMAL DOMINANT. Identifiers: Orphanet 100993, MedGen C1858106, MONDO:0011489, OMIM 604805.

Submissions (2):

GeneDx
Classification: Uncertain significance. Last evaluated: 2024-09-05. Review status: criteria provided, single submitter. Criteria: GeneDx Variant Classification Process June 2021. Collection method: clinical testing. Allele origin: germline. Affected: yes.
Comment: Not observed at significant frequency in large population cohorts (gnomAD); Frameshift variant predicted to result in protein truncation or nonsense mediated decay in a gene or region of a gene for which loss of function is not a well-established mechanism of disease; Has not been previously published as pathogenic or benign to our knowledge

Women's Health and Genetics/Laboratory Corporation of America, LabCorp
Classification: Likely pathogenic for Spastic paraplegia 12. Last evaluated: 2018-06-11. Review status: criteria provided, single submitter. Criteria: LabCorp Variant Classification Summary - May 2015. Collection method: clinical testing. Allele origin: germline.
Comment: Variant summary: RTN2 c.818_828delCAGCTATGGAA (p.Thr273MetfsTer68) results in a premature termination codon, predicted to cause a truncation of the encoded protein or absence of the protein due to nonsense mediated decay, which are commonly known mechanisms for disease. Truncations downstream of this position have been classified as disease-causing in HGMD database (eg. c.939del/p.Thr314fs). The variant was absent in 241444 control chromosomes. To our knowledge, no occurrence of c.818_828delCAGCTATGGAA in individuals affected with Spastic paraplegia 12 and no experimental evidence demonstrating its impact on protein function have been reported. No clinical diagnostic laboratories have submitted clinical-significance assessments for this variant to ClinVar after 2014. Based on the evidence outlined above, the variant was classified as likely pathogenic.